The following is an entry in ClinVar:

NM_019066.5(MAGEL2):c.1195C>T (p.Pro399Ser)

Gene: MAGEL2 (MAGE family member L2; minus strand). Cytogenetic location: 15q11.2.
Variant type: single nucleotide variant.
Coding change: c.1195C>T on transcript NM_019066.5 (MANE Select); coding-DNA position 1195, C replaced by T.
Protein change: p.Pro399Ser; replaces proline 399 with serine.
Molecular consequence: missense variant.
Genome position (GRCh38, 1-based): chr15:23,646,548, G>A on the plus strand (C>T on the coding strand, the complement: MAGEL2 is on the minus strand). VCF-style: chr15-23646548-G-A. GRCh37 (hg19) VCF-style: chr15-23891695-G-A.
Other names: short protein forms P399S.
Identifiers: ClinVar variation 1303557 (VCV001303557.5), dbSNP rs1194225844, ClinGen allele CA391334967.
Genomic context (GRCh38, chr15:23,646,548, plus strand): 5'-CAGGGCGGATGGGCGGGGGCCCCTGGCGCATGGGCGGCGGCACCTGCCAGGTAACGGCTG[G>A]TGCCTGCCAGGTGACCTGCGTGGTCTGCCAAGTCAGGGGAGTGGCCTGCCAGCCTTGCTG-3'
Protein context (NP_061939.3, residues 389-409): WQTTQVTWQA[Pro399Ser]AVTWQVPPPM

ClinVar aggregate classification (germline): Uncertain significance. Review status: criteria provided, multiple submitters, no conflicts (2 of 4 stars). 3 submissions from 3 submitters: Uncertain significance (3). Last evaluated 2026-04-13.

Conditions:
Inborn genetic diseases. Identifiers: MedGen C0950123, MeSH D030342.
MAGEL2-related disorder. Also called: MAGEL2-related condition.

Allele frequency attached by ClinVar (database versions not stated): gnomAD exomes 0.00001 and 0.00002; gnomAD 0.00002; TOPMed 0.00002.

Submissions (3):

PreventionGenetics, part of Exact Sciences
Classification: Uncertain significance for MAGEL2-related condition. Last evaluated: 2026-04-13. Review status: criteria provided, single submitter. Criteria: ACMG Guidelines, 2015. Collection method: clinical testing. Allele origin: germline.
Comment: The MAGEL2 c.1195C>T variant is predicted to result in the amino acid substitution p.Pro399Ser. To our knowledge, this variant has not been reported in the literature. This variant is reported in 0.0066% of alleles in individuals of European (Non-Finnish) descent in gnomAD. At this time, the clinical significance of this variant is uncertain due to the absence of conclusive functional and genetic evidence.

GeneDx
Classification: Uncertain significance. Last evaluated: 2025-12-30. Review status: criteria provided, single submitter. Criteria: GeneDx Variant Classification Process June 2021. Collection method: clinical testing. Allele origin: germline. Affected: yes.
Comment: Has not been previously published as pathogenic or benign to our knowledge; In silico analysis suggests that this missense variant does not alter protein structure/function

Ambry Genetics
Classification: Uncertain significance for Inborn genetic diseases. Last evaluated: 2025-01-28. Review status: criteria provided, single submitter. Criteria: Ambry Variant Classification Scheme 2023. Collection method: clinical testing. Allele origin: germline.